The following is an entry in ClinVar:

ClinVar aggregate classification (germline): Uncertain significance. Review status: criteria provided, multiple submitters, no conflicts (2 of 4 stars). 2 submissions from 2 submitters: Uncertain significance (2). Last evaluated 2024-03-06.

Conditions:
Familial thoracic aortic aneurysm and aortic dissection (TAAD). Also called: Thoracic aortic aneurysms and dissections. Identifiers: Orphanet 91387, MedGen C4707243, MONDO:0019625.
Geleophysic dysplasia 2 (GPHYSD2). Identifiers: Orphanet 2623, MedGen C3280054, MONDO:0013612, OMIM 614185.
Acromicric dysplasia (ACMICD). Also called: Acromicric skeletal dysplasia. Identifiers: Orphanet 969, MedGen C0265287, MONDO:0007055, OMIM 102370.
Weill-Marchesani syndrome 2, dominant. Also called: FBN1-Related Weill-Marchesani Syndrome; Weill-Marchesani Syndrome, Autosomal Dominant. Identifiers: Orphanet 2084, MedGen C1869115, MONDO:0012013, OMIM 608328.
Marfan syndrome (MFS). Also called: Marfan syndrome type 1; Marfan's syndrome; FBN1-Related Marfan Syndrome; MARFAN SYNDROME, TYPE I; Marfan syndrome, classic. Identifiers: Orphanet 284963, Orphanet 558, MedGen C0024796, MONDO:0007947, OMIM 154700.
Ectopia lentis 1, isolated, autosomal dominant (ECTOL1). Identifiers: Orphanet 1885, MedGen C3541518, MONDO:0007514, OMIM 129600.
Progeroid and marfanoid aspect-lipodystrophy syndrome. Also called: MARFANOID-PROGEROID-LIPODYSTROPHY SYNDROME; MARFANOID-PROGEROID SYNDROME; MARFAN-PROGEROID-LIPODYSTROPHY SYNDROME; Marfan lipodystrophy syndrome. Identifiers: Orphanet 300382, MedGen C4310796, MONDO:0014831, OMIM 616914.
Stiff skin syndrome (SSKS). Identifiers: Orphanet 2833, MedGen C1861456, MONDO:0008492, OMIM 184900.
MASS syndrome (OCTD). Also called: MASS PHENOTYPE; OVERLAP CONNECTIVE TISSUE DISEASE. Identifiers: MedGen C1858556, MONDO:0011431, OMIM 604308.

Submissions (2):

Color Diagnostics, LLC DBA Color Health
Classification: Uncertain significance for Familial thoracic aortic aneurysm and aortic dissection. Last evaluated: 2024-03-06. Review status: criteria provided, single submitter. Criteria: ACMG Guidelines, 2015. Collection method: clinical testing. Allele origin: germline.
Comment: This missense variant replaces aspartic acid with histidine at codon 2135 of the FBN1 protein. Computational prediction is inconclusive regarding the impact of this variant on protein structure and function (internally defined REVEL score threshold 0.5 < inconclusive < 0.7, PMID: 27666373). To our knowledge, functional studies have not been reported for this variant. This variant has not been reported in individuals affected with cardiovascular disorders in the literature. This variant has not been identified in the general population by the Genome Aggregation Database (gnomAD). The available evidence is insufficient to determine the role of this variant in disease conclusively. Therefore, this variant is classified as a Variant of Uncertain Significance.

Center for Genomics, Ann and Robert H. Lurie Children's Hospital of Chicago
Classification: Uncertain significance for Geleophysic dysplasia 2; Weill-Marchesani syndrome 2, dominant; Ectopia lentis 1, isolated, autosomal dominant; MASS syndrome; Progeroid and marfanoid aspect-lipodystrophy syndrome; Acromicric dysplasia; Marfan syndrome; Stiff skin syndrome. Review status: criteria provided, single submitter. Criteria: ACMG Guidelines, 2015. Collection method: clinical testing. Allele origin: germline.
Comment: This variant has not been reported in the literature and is not present in large control databases. The FBN1 gene has a gnomAD missense constraint z-score of 5.06, suggesting that benign missense variation in FBN1 is uncommon (Lek 2016 PMID:27535533). However, evolutionary conservation and computational predictive tools for this variant are unclear. In summary, data on this variant is insufficient for disease classification. Therefore, the clinical significance of this variant is uncertain.

NM_000138.5(FBN1):c.6403G>C (p.Asp2135His)

Gene: FBN1 (fibrillin 1; minus strand). Cytogenetic location: 15q21.1.
Variant type: single nucleotide variant.
Coding change: c.6403G>C on transcript NM_000138.5 (MANE Select); coding-DNA position 6403, G replaced by C.
Protein change: p.Asp2135His; replaces aspartic acid 2135 with histidine.
Molecular consequence: missense variant.
Genome position (GRCh38, 1-based): chr15:48,437,054, C>G on the plus strand (G>C on the coding strand, the complement: FBN1 is on the minus strand). VCF-style: chr15-48437054-C-G. GRCh37 (hg19) VCF-style: chr15-48729251-C-G.
Other names: short protein forms D2135H.
Identifiers: ClinVar variation 1332267 (VCV001332267.4), dbSNP rs746167150, ClinGen allele CA392336664.